The following is an entry in ClinVar:

ClinVar aggregate classification (germline): Likely benign (0 of 4 stars; one submission).

Conditions:
RIPK4-related disorder. Also called: RIPK4-related condition.

Allele frequency attached by ClinVar (database versions not stated): gnomAD exomes 0.00004; ExAC 0.00007; gnomAD 0.00007; TOPMed 0.00008; 1000 Genomes Project 30x 0.00016; 1000 Genomes Project 0.00020.
gnomAD v4.1: 64 of 1,611,078 alleles (0.004%); highest among the groups gnomAD compares: East Asian, 0.069%; no homozygotes.

Submission:

PreventionGenetics, part of Exact Sciences
Classification: Likely benign for RIPK4-related condition. Last evaluated: 2023-05-03. Review status: no assertion criteria provided. Collection method: clinical testing. Allele origin: germline.
Comment: This variant is classified as likely benign based on ACMG/AMP sequence variant interpretation guidelines (Richards et al. 2015 PMID: 25741868, with internal and published modifications).

NM_020639.3(RIPK4):c.1842C>T (p.Arg614=)

Gene: RIPK4 (receptor interacting serine/threonine kinase 4; minus strand). Cytogenetic location: 21q22.3.
Variant type: single nucleotide variant.
Coding change: c.1842C>T on transcript NM_020639.3 (MANE Select); coding-DNA position 1842, C replaced by T.
Protein change: p.Arg614=; no amino-acid change (arginine 614 retained).
Molecular consequence: synonymous variant.
Genome position (GRCh38, 1-based): chr21:41,741,351, G>A on the plus strand (C>T on the coding strand, the complement: RIPK4 is on the minus strand). VCF-style: chr21-41741351-G-A. GRCh37 (hg19) VCF-style: chr21-43161511-G-A.
Identifiers: ClinVar variation 3031359 (VCV003031359.2), dbSNP rs563351959, ClinGen allele CA10035199.